The following is an entry in ClinVar:

ClinVar aggregate classification (germline): Likely benign. Review status: criteria provided, single submitter (1 of 4 stars). 2 submissions from 2 submitters: Likely benign (1). 1 of the submissions does not count toward it. Last evaluated 2022-07-12.

Conditions:
KARS1-related disorder. Also called: KARS1-related disorders.

Allele frequency attached by ClinVar (database versions not stated): gnomAD 0.00001; ExAC 0.00002; gnomAD exomes 0.00002; TOPMed 0.00003; ESP Exome Variant Server 0.00015.
gnomAD v4.1: 30 of 1,610,834 alleles (0.0019%); highest among the groups gnomAD compares: Non-Finnish European, 0.0023%; no homozygotes.

Submissions (2):

Labcorp Genetics (formerly Invitae), Labcorp
Classification: Likely benign. Last evaluated: 2022-07-12. Review status: criteria provided, single submitter. Criteria: Invitae Variant Classification Sherloc (09022015). Collection method: clinical testing. Allele origin: germline.

PreventionGenetics, part of Exact Sciences
Classification: Likely benign for KARS1-related condition. Last evaluated: 2020-09-16. Review status: no assertion criteria provided. Collection method: clinical testing. Allele origin: germline. Not counted in ClinVar's aggregate classification.
Comment: This variant is classified as likely benign based on ACMG/AMP sequence variant interpretation guidelines (Richards et al. 2015 PMID: 25741868, with internal and published modifications).

NM_005548.3(KARS1):c.1752C>G (p.Thr584=)

Gene: KARS1 (lysyl-tRNA synthetase 1; minus strand). Cytogenetic location: 16q23.1.
Variant type: single nucleotide variant.
Coding change: c.1752C>G on transcript NM_005548.3 (MANE Select); coding-DNA position 1752, C replaced by G.
Protein change: p.Thr584=; no amino-acid change (threonine 584 retained).
Molecular consequence: synonymous variant.
Genome position (GRCh38, 1-based): chr16:75,627,937, G>C on the plus strand (C>G on the coding strand, the complement: KARS1 is on the minus strand). VCF-style: chr16-75627937-G-C. GRCh37 (hg19) VCF-style: chr16-75661835-G-C.
Other names: c.1836C>G, p.Thr612= (NM_001130089.2); c.1284C>G, p.Thr428= (NM_001378148.1).
Identifiers: ClinVar variation 1911115 (VCV001911115.7), dbSNP rs144390077, ClinGen allele CA8177123.